The following is an entry in ClinVar:

NM_000077.5(CDKN2A):c.*6C>G

Gene: CDKN2A (cyclin dependent kinase inhibitor 2A; minus strand). Cytogenetic location: 9p21.3.
Variant type: single nucleotide variant.
Coding change: c.*6C>G on transcript NM_000077.5; 6 bases downstream of the stop codon, C replaced by G.
Molecular consequence: 3 prime UTR variant (on NM_001195132.2).
Genome position (GRCh38, 1-based): chr9:21,968,223, G>C on the plus strand (C>G on the coding strand, the complement: CDKN2A is on the minus strand). VCF-style: chr9-21968223-G-C. GRCh37 (hg19) VCF-style: chr9-21968222-G-C.
Other names: c.*6C>G (NM_000077.6, NM_001363763.2); c.*170C>G (NM_001195132.2); c.*121C>G (NM_058195.4); c.*400C>G (NM_058197.5).
Identifiers: ClinVar variation 387035 (VCV000387035.12), dbSNP rs375628411, ClinGen allele CA5012124.

ClinVar aggregate classification (germline): Benign/Likely benign. Review status: criteria provided, multiple submitters, no conflicts (2 of 4 stars). 7 submissions from 7 submitters: Benign (4); Likely benign (3). Last evaluated 2026-09-01.

Conditions:
Melanoma-pancreatic cancer syndrome. Identifiers: Orphanet 404560, MedGen C1838547, MONDO:0011713, OMIM 606719. Disease mechanism: loss of function.
Hereditary cancer-predisposing syndrome. Also called: Hereditary neoplastic syndrome; Neoplastic Syndromes, Hereditary; Hereditary Cancer Syndrome; Tumor predisposition. Identifiers: Orphanet 140162, MedGen C0027672, MeSH D009386, MONDO:0015356.

Allele frequency attached by ClinVar (database versions not stated): gnomAD 0.00002 and 0.00004; TOPMed 0.00004.
gnomAD v4.1: 259 of 1,613,778 alleles (0.016%); highest among the groups gnomAD compares: South Asian, 0.22%; 3 homozygotes.

Submissions (7):

CeGaT Center for Human Genetics Tuebingen
Classification: Likely benign. Last evaluated: 2026-09-01. Review status: criteria provided, single submitter. Criteria: CeGaT Center For Human Genetics Tuebingen Variant Classification Criteria Version 2. Collection method: clinical testing. Allele origin: germline. Affected: yes. Observed: 2 variant alleles.
Comment: CDKN2A: BS1

Mayo Clinic Laboratories, Mayo Clinic
Classification: Likely benign. Last evaluated: 2025-10-12. Review status: criteria provided, single submitter. Criteria: ACMG Guidelines, 2015. Collection method: clinical testing. Allele origin: germline. Observed: 1 variant allele.
Comment: BS1

Myriad Genetics, Inc.
Classification: Benign for Melanoma-pancreatic cancer syndrome. Last evaluated: 2025-08-20. Review status: criteria provided, single submitter. Criteria: Myriad Autosomal Dominant, Autosomal Recessive and X-Linked Classification Criteria (2023). Collection method: clinical testing. Allele origin: unknown.
Comment: This variant is considered benign. This variant occurs in the non-coding 3' untranslated region of the gene, and is not expected to impact protein function.

Quest Diagnostics Nichols Institute San Juan Capistrano
Classification: Benign. Last evaluated: 2023-08-23. Review status: criteria provided, single submitter. Criteria: Quest Diagnostics criteria. Collection method: clinical testing. Allele origin: unknown.

Women's Health and Genetics/Laboratory Corporation of America, LabCorp
Classification: Benign. Last evaluated: 2022-11-19. Review status: criteria provided, single submitter. Criteria: LabCorp Variant Classification Summary - May 2015. Collection method: clinical testing. Allele origin: germline.

GeneDx
Classification: Likely benign. Last evaluated: 2020-11-12. Review status: criteria provided, single submitter. Criteria: GeneDx Variant Classification Process June 2021. Collection method: clinical testing. Allele origin: germline. Affected: yes.

Color Diagnostics, LLC DBA Color Health
Classification: Benign for Hereditary cancer-predisposing syndrome. Last evaluated: 2016-10-09. Review status: criteria provided, single submitter. Criteria: ACMG Guidelines, 2015. Collection method: clinical testing. Allele origin: germline.

Literature cited by the submitters: PubMed 27756164 (cited by Women's Health and Genetics/Laboratory Corporation of America, LabCorp); PubMed 27960642 (cited by Women's Health and Genetics/Laboratory Corporation of America, LabCorp); PubMed 28765326 (cited by Women's Health and Genetics/Laboratory Corporation of America, LabCorp); PubMed 9166859 (cited by Women's Health and Genetics/Laboratory Corporation of America, LabCorp); PubMed 16818274 (cited by Women's Health and Genetics/Laboratory Corporation of America, LabCorp); PubMed 18519632 (cited by Women's Health and Genetics/Laboratory Corporation of America, LabCorp); PubMed 7718873 (cited by Women's Health and Genetics/Laboratory Corporation of America, LabCorp).